The following is an entry in ClinVar:

NM_001099403.2(PRDM8):c.1651G>A (p.Gly551Arg)

Gene: PRDM8 (PR/SET domain 8; plus strand). Cytogenetic location: 4q21.21.
Variant type: single nucleotide variant.
Coding change: c.1651G>A on transcript NM_001099403.2 (MANE Select); coding-DNA position 1651, G replaced by A.
Protein change: p.Gly551Arg; replaces glycine 551 with arginine.
Molecular consequence: missense variant.
Genome position (GRCh38, 1-based): chr4:80,203,113, G>A. VCF-style: chr4-80203113-G-A. GRCh37 (hg19) VCF-style: chr4-81124267-G-A.
Other names: c.1651G>A, p.Gly551Arg (NM_020226.4); short protein forms G551R.
Identifiers: ClinVar variation 581838 (VCV000581838.11), dbSNP rs762888947, ClinGen allele CA2982424.

ClinVar aggregate classification (germline): Uncertain significance. Review status: criteria provided, multiple submitters, no conflicts (2 of 4 stars). 2 submissions from 2 submitters: Uncertain significance (2). Last evaluated 2023-09-13.

Conditions:
Early-onset Lafora body disease. Also called: Epilepsy, progressive myoclonic, 10. Identifiers: Orphanet 324290, MedGen C4225258, MONDO:0014717, OMIM 616640.

Allele frequency attached by ClinVar (database versions not stated): gnomAD exomes 0.00001 and 0.00008; TOPMed 0.00003; ExAC 0.00010.
gnomAD v4.1: 14 of 1,569,374 alleles (0.00089%); highest among the groups gnomAD compares: East Asian, 0.033%; no homozygotes.

Submissions (2):

Ambry Genetics
Classification: Uncertain significance. Last evaluated: 2023-09-13. Review status: criteria provided, single submitter. Criteria: Ambry Variant Classification Scheme 2023. Collection method: clinical testing. Allele origin: germline.

Labcorp Genetics (formerly Invitae), Labcorp
Classification: Uncertain significance for Early-onset Lafora body disease. Last evaluated: 2022-06-04. Review status: criteria provided, single submitter. Criteria: Invitae Variant Classification Sherloc (09022015). Collection method: clinical testing. Allele origin: germline.
Comment: In summary, the available evidence is currently insufficient to determine the role of this variant in disease. Therefore, it has been classified as a Variant of Uncertain Significance. Algorithms developed to predict the effect of missense changes on protein structure and function output the following: SIFT: "Deleterious"; PolyPhen-2: "Possibly Damaging"; Align-GVGD: "Class C0". The arginine amino acid residue is found in multiple mammalian species, which suggests that this missense change does not adversely affect protein function. ClinVar contains an entry for this variant (Variation ID: 581838). This variant has not been reported in the literature in individuals affected with PRDM8-related conditions. This variant is present in population databases (rs762888947, gnomAD 0.1%), and has an allele count higher than expected for a pathogenic variant. This sequence change replaces glycine, which is neutral and non-polar, with arginine, which is basic and polar, at codon 551 of the PRDM8 protein (p.Gly551Arg).